The following is an entry in ClinVar:

ClinVar aggregate classification (germline): Likely pathogenic (1 of 4 stars; one submission).

Conditions:
Rare genetic deafness. Identifiers: Orphanet 96210, MedGen C5680250.

Submission:

Laboratory for Molecular Medicine, Mass General Brigham Personalized Medicine
Classification: Likely pathogenic for Rare genetic deafness. Last evaluated: 2018-05-23. Review status: criteria provided, single submitter. Criteria: LMM Criteria. Collection method: clinical testing. Allele origin: germline. Inheritance: Autosomal dominant inheritance. Observed: 1 variant allele.
Comment: The variant was absent from large population studies. A differe nt change at this position (p.Glu334Gln) was reported as a de novo variant in an individual with Baraitser-Winter cerebrofrontofacial syndrome (BWCS) who presen ted with moderate sensorineural hearing loss along with other syndromic features of BWCS (Di Donato 2016). In addition, the glutamic acid residue at this positi on is well conserved across evolutionary distant species, and the ACTG1 gene is constrained for missense variation (z-score:5.13) in the ExAC general population cohort (Exome Aggregation Database). Taken toge ther, this information suggests that changes at this amino acid residue in ACTG1 may not be tolerated. In summary, although additional studies are required to fully establish its clinical significance, this variant is likely pathogenic. AC MG/AMP Criteria applied: PM2; PM5, PM6, PP2.

Literature cited by the submitters: PubMed 27240540.

NM_001614.5(ACTG1):c.1002G>C (p.Glu334Asp)

Gene: ACTG1 (actin gamma 1; minus strand). Cytogenetic location: 17q25.3.
Variant type: single nucleotide variant.
Coding change: c.1002G>C on transcript NM_001614.5 (MANE Select); coding-DNA position 1002, G replaced by C.
Protein change: p.Glu334Asp; replaces glutamic acid 334 with aspartic acid.
Molecular consequence: missense variant. On other transcripts: non-coding transcript variant (1).
Genome position (GRCh38, 1-based): chr17:81,510,816, C>G on the plus strand (G>C on the coding strand, the complement: ACTG1 is on the minus strand). VCF-style: chr17-81510816-C-G. GRCh37 (hg19) VCF-style: chr17-79477842-C-G.
Other names: c.1002G>C, p.Glu334Asp (NM_001199954.3); short protein forms E334D.
Identifiers: ClinVar variation 667399 (VCV000667399.4), dbSNP rs113262912, ClinGen allele CA401458589.